The following is an entry in ClinVar:

NM_001080488.2(ONECUT3):c.1026A>C (p.Ala342=)

Gene: ONECUT3 (one cut homeobox 3; plus strand). Cytogenetic location: 19p13.3.
Variant type: single nucleotide variant.
Coding change: c.1026A>C on transcript NM_001080488.2 (MANE Select); coding-DNA position 1026, A replaced by C.
Protein change: p.Ala342=; no amino-acid change (alanine 342 retained).
Molecular consequence: synonymous variant.
Genome position (GRCh38, 1-based): chr19:1,754,688, A>C. VCF-style: chr19-1754688-A-C. GRCh37 (hg19) VCF-style: chr19-1754687-A-C.
Identifiers: ClinVar variation 4872320 (VCV004872320.2).
Genomic context (GRCh38, chr19:1,754,688, plus strand): 5'-CACCAAGGAGGTGGCGCAGCGCATCACGGCGGAGCTGAAGCGCTACAGCATCCCGCAGGC[A>C]ATCTTCGCGCAGCGGATCCTGTGTCGCTCTCAGGGCACGCTCTCCGACCTGCTGCGCAAC-3'
Protein context (NP_001073957.1, residues 332-352): AELKRYSIPQ[Ala342=]IFAQRILCRS

ClinVar aggregate classification (germline): Likely benign (1 of 4 stars; one submission).

Submission:

CeGaT Center for Human Genetics Tuebingen
Classification: Likely benign. Last evaluated: 2026-05-01. Review status: criteria provided, single submitter. Criteria: CeGaT Center For Human Genetics Tuebingen Variant Classification Criteria Version 2. Collection method: clinical testing. Allele origin: germline. Affected: yes. Observed: 1 variant allele.
Comment: ONECUT3: PM2:Supporting, BP4, BP7